The following is an entry in ClinVar:

ClinVar aggregate classification (germline): Uncertain significance (1 of 4 stars; one submission).

Allele frequency attached by ClinVar (database versions not stated): TOPMed below 0.00001.

Submission:

Ambry Genetics
Classification: Uncertain significance. Last evaluated: 2022-06-02. Review status: criteria provided, single submitter. Criteria: Ambry Variant Classification Scheme 2023. Collection method: clinical testing. Allele origin: germline.
Comment: The p.I503V variant (also known as c.1507A>G), located in coding exon 8 of the PALLD gene, results from an A to G substitution at nucleotide position 1507. The isoleucine at codon 503 is replaced by valine, an amino acid with highly similar properties. This amino acid position is conserved. In addition, this alteration is predicted to be tolerated by in silico analysis. Since supporting evidence is limited at this time, the clinical significance of this alteration remains unclear.

NM_001166108.2(PALLD):c.1507A>G (p.Ile503Val)

Gene: PALLD (palladin, cytoskeletal associated protein; plus strand). Cytogenetic location: 4q32.3.
Variant type: single nucleotide variant.
Coding change: c.1507A>G on transcript NM_001166108.2 (MANE Select); coding-DNA position 1507, A replaced by G.
Protein change: p.Ile503Val; replaces isoleucine 503 with valine.
Molecular consequence: missense variant.
Genome position (GRCh38, 1-based): chr4:168,709,033, A>G. VCF-style: chr4-168709033-A-G. GRCh37 (hg19) VCF-style: chr4-169630184-A-G.
Other names: c.361A>G, p.Ile121Val (NM_001166109.2); c.1507A>G, p.Ile503Val (NM_016081.4); short protein forms I503V, I121V.
Identifiers: ClinVar variation 1774106 (VCV001774106.2), dbSNP rs1466235613, ClinGen allele CA358797370.